The following is an entry in ClinVar:

NM_002485.5(NBN):c.2156dup (p.Glu720fs)

Gene: NBN (nibrin; minus strand). Cytogenetic location: 8q21.3.
Variant type: Duplication.
Coding change: c.2156dup on transcript NM_002485.5 (MANE Select); coding-DNA position 2156, one base duplicated (T; older notation c.2156dupT).
Protein change: p.Glu720fs; shifts the reading frame from glutamic acid 720.
Molecular consequence: frameshift variant.
Genome position (GRCh38, 1-based): chr8:89,943,281, A duplicated on the plus strand (T on the coding strand, the reverse complement: NBN is on the minus strand). VCF-style (leftmost placement, unchanged base first): chr8-89943280-T-TA. GRCh37 (hg19) VCF-style: chr8-90955508-T-TA.
Other names: c.2156dupT (NM_002485.4); c.1910dup, p.Glu638fs (NM_001024688.3); short protein forms E638fs, E720fs.
Identifiers: ClinVar variation 652942 (VCV000652942.6), dbSNP rs1586035111, ClinGen allele CA915945759.

ClinVar aggregate classification (germline): Pathogenic (1 of 4 stars; one submission).

Conditions:
Microcephaly, normal intelligence and immunodeficiency (NBS). Also called: BERLIN BREAKAGE SYNDROME; Nijmegen breakage syndrome; Microcephaly with normal intelligence immunodeficiency and lymphoreticular malignancies; Nonsyndromal microcephaly autosomal recessive with normal intelligence; Seemanova syndrome 2; SEEMANOVA SYNDROME II. Identifiers: Orphanet 647, MedGen C0398791, MONDO:0009623, OMIM 251260.

Allele frequency attached by ClinVar (database versions not stated): gnomAD exomes below 0.00001.

Submission:

Labcorp Genetics (formerly Invitae), Labcorp
Classification: Pathogenic for Microcephaly, normal intelligence and immunodeficiency. Last evaluated: 2023-10-03. Review status: criteria provided, single submitter. Criteria: Invitae Variant Classification Sherloc (09022015). Collection method: clinical testing. Allele origin: germline.
Comment: This sequence change creates a premature translational stop signal (p.Glu720Argfs*22) in the NBN gene. While this is not anticipated to result in nonsense mediated decay, it is expected to disrupt the last 35 amino acid(s) of the NBN protein. This variant is not present in population databases (gnomAD no frequency). This variant has not been reported in the literature in individuals affected with NBN-related conditions. ClinVar contains an entry for this variant (Variation ID: 652942). This variant disrupts a region of the NBN protein in which other variant(s) (p.Gln732*) have been determined to be pathogenic (PMID: 15048089, 15964794, 21035407, 24894818; Invitae). This suggests that this is a clinically significant region of the protein, and that variants that disrupt it are likely to be disease-causing. For these reasons, this variant has been classified as Pathogenic.

Literature cited by the submitters: PubMed 15048089; PubMed 15964794; PubMed 21035407; PubMed 24894818.